The following is an entry in ClinVar:

ClinVar aggregate classification (germline): Likely benign (0 of 4 stars; one submission).

Conditions:
NCAPG2-related disorder. Also called: NCAPG2-related condition.

Allele frequency attached by ClinVar (database versions not stated): gnomAD exomes 0.00022; ExAC 0.00069; TOPMed 0.00181; ESP Exome Variant Server 0.00213; 1000 Genomes Project 30x 0.00281; 1000 Genomes Project 0.00300.
gnomAD v4.1: 627 of 1,558,536 alleles (0.04%); highest among the groups gnomAD compares: African/African-American, 0.63%; 4 homozygotes.

Submission:

PreventionGenetics, part of Exact Sciences
Classification: Likely benign for NCAPG2-related condition. Last evaluated: 2019-07-11. Review status: no assertion criteria provided. Collection method: clinical testing. Allele origin: germline.
Comment: This variant is classified as likely benign based on ACMG/AMP sequence variant interpretation guidelines (Richards et al. 2015 PMID: 25741868, with internal and published modifications).

NM_017760.7(NCAPG2):c.925-8G>T

Gene: NCAPG2 (non-SMC condensin II complex subunit G2; minus strand). Cytogenetic location: 7q36.3.
Variant type: single nucleotide variant.
Coding change: c.925-8G>T on transcript NM_017760.7 (MANE Select); 8 bases into the intron before coding-DNA position 925, G replaced by T.
Molecular consequence: intron variant.
Genome position (GRCh38, 1-based): chr7:158,680,824, C>A on the plus strand (G>T on the coding strand, the complement: NCAPG2 is on the minus strand). VCF-style: chr7-158680824-C-A. GRCh37 (hg19) VCF-style: chr7-158473516-C-A.
Other names: c.925-8G>T (NM_001281932.2, NM_001281933.2).
Identifiers: ClinVar variation 3038135 (VCV003038135.2), dbSNP rs145268029, ClinGen allele CA4592968.
Genomic context (GRCh38, chr7:158,680,824, plus strand): 5'-ATCTCTTCCACTCCCTGCCGAACTTTCTTTTGATGGTGAAAGTAACTCAGAACCTAAGGA[C>A]CAAAAAAAGGAAAAGGAAGGCATTAACAAAAAAATAAATAAATAAAATAAAATGGCATTT-3'